The following is an entry in ClinVar:

NM_024301.5(FKRP):c.941C>T (p.Thr314Met)

Gene: FKRP (fukutin related protein; plus strand). Cytogenetic location: 19q13.32.
Variant type: single nucleotide variant.
Coding change: c.941C>T on transcript NM_024301.5 (MANE Select); coding-DNA position 941, C replaced by T.
Protein change: p.Thr314Met; replaces threonine 314 with methionine.
Molecular consequence: missense variant.
Genome position (GRCh38, 1-based): chr19:46,756,391, C>T. VCF-style: chr19-46756391-C-T. GRCh37 (hg19) VCF-style: chr19-47259648-C-T.
Other names: c.941C>T, p.Thr314Met (NM_001039885.3); short protein forms T314M.
Identifiers: ClinVar variation 96115 (VCV000096115.30), dbSNP rs398124395, ClinGen allele CA202828.
Genomic context (GRCh38, chr19:46,756,391, plus strand): 5'-CGCGCTGCTTCGGAACCGTGGTGGGCGACACGCCCGCCTACCTCTACGAGGAGCGCTGGA[C>T]GCCCCCCTGCTGCCTGCGCGCGCTGCGCGAGACCGCCCGCTATGTGGTGGGCGTGCTGGA-3'
Protein context (NP_077277.1, residues 304-324): TPAYLYEERW[Thr314Met]PPCCLRALRE

ClinVar aggregate classification (germline): Pathogenic. Review status: criteria provided, multiple submitters, no conflicts (2 of 4 stars). 13 submissions from 12 submitters: Pathogenic (13). Last evaluated 2025-12-31.

Conditions:
Walker-Warburg congenital muscular dystrophy. Also called: Muscular dystrophy-dystroglycanopathy, type A; Walker-Warburg syndrome. Identifiers: Orphanet 899, MedGen C0265221, MONDO:0000171.
FKRP-related disorder. Also called: FKRP-related condition.
Autosomal recessive limb-girdle muscular dystrophy type 2I. Also called: MUSCULAR DYSTROPHY-DYSTROGLYCANOPATHY, LIMB-GIRDLE, FRKP-RELATED; MUSCULAR DYSTROPHY-DYSTROGLYCANOPATHY (LIMB-GIRDLE), TYPE C, 5; MUSCULAR DYSTROPHY, LIMB-GIRDLE, TYPE 2I. Identifiers: Orphanet 34515, MedGen C1846672, MONDO:0011787, OMIM 607155.
Muscular dystrophy-dystroglycanopathy (congenital with brain and eye anomalies), type A5. Also called: WALKER-WARBURG SYNDROME OR MUSCLE-EYE-BRAIN DISEASE, FKRP-RELATED; MUSCULAR DYSTROPHY-DYSTROGLYCANOPATHY (CONGENITAL WITH BRAIN AND EYE ANOMALIES), TYPE A, 5. Identifiers: Orphanet 588, Orphanet 899, MedGen C3150413, MONDO:0013157, OMIM 613153.
Muscular dystrophy-dystroglycanopathy type B5 (MDDGB5). Also called: MUSCULAR DYSTROPHY-DYSTROGLYCANOPATHY (CONGENITAL WITH OR WITHOUT IMPAIRED INTELLECTUAL DEVELOPMENT), TYPE B, 5; MUSCULAR DYSTROPHY, CONGENITAL, 1C; MUSCULAR DYSTROPHY, CONGENITAL, FKRP-RELATED. Identifiers: MedGen C1847759, MONDO:0011688, OMIM 606612.

gnomAD v4.1: 1 of 1,566,834 alleles (0.000064%); highest among the groups gnomAD compares: Middle Eastern, 0.017%; no homozygotes.

Submissions (13):

Natera, Inc.
Classification: Pathogenic for Limb-girdle muscular dystrophy type 2I. Last evaluated: 2025-12-31. Review status: criteria provided, single submitter. Criteria: Natera Variant Classification Schema (03/2026). Collection method: clinical testing. Allele origin: germline.
Comment: The c.941C>T variant in FKRP is a missense variant predicted to cause substitution of threonine to methionine at amino acid 314. This variant is rare in the general population with a frequency below the threshold expected for the associated phenotype(s). This variant has been observed in one or more individuals affected with the associated recessive disease, as either homozygous or compound heterozygous with a second variant (PMID: 27671536, 33200426). Computational prediction algorithms indicate this variant is likely to affect gene or protein function. Given the available evidence, this variant is classified as Pathogenic.

3billion
Classification: Pathogenic for FKRP-related disorder. Last evaluated: 2025-10-07. Review status: criteria provided, single submitter. Criteria: ACMG Guidelines, 2015. Collection method: clinical testing. Allele origin: germline. Affected: yes.
Comment: The variant is observed at an extremely low frequency in the gnomAD v4.1.0 dataset (total allele frequency: <0.001%). Predicted Consequence/Location: Missense variant In silico tool predictions suggest damaging effect of the variant on gene or gene product [REVEL: 0.81 (>=0.6, sensitivity 0.68 and specificity 0.92); 3Cnet: 0.99 (> 0.75, sensitivity 0.96 and precision 0.92)]. The same nucleotide change resulting in the same amino acid change has been previously reported as pathogenic/likely pathogenic with strong evidence (ClinVar ID: VCV000096115). The variant has been reported to be in trans with a pathogenic variant as either compound heterozygous or homozygous in at least one similarly affected unrelated individual (PMID: 20623375). Different missense changes at the same codon (p.Thr314Ala, p.Thr314Pro) have been reported to be associated with FKRP-related disorder (ClinVar ID: VCV002878639 /PMID: 22323514). Therefore, this variant is classified as Pathogenic according to the recommendation of ACMG/AMP guideline.

Labcorp Genetics (formerly Invitae), Labcorp
Classification: Pathogenic for Walker-Warburg congenital muscular dystrophy. Last evaluated: 2024-04-05. Review status: criteria provided, single submitter. Criteria: Invitae Variant Classification Sherloc (09022015). Collection method: clinical testing. Allele origin: germline.
Comment: This sequence change replaces threonine, which is neutral and polar, with methionine, which is neutral and non-polar, at codon 314 of the FKRP protein (p.Thr314Met). This variant is not present in population databases (gnomAD no frequency). This missense change has been observed in individuals with limb-girdle muscular dystrophy (PMID: 20623375, 27439679, 27671536, 28454995). It has also been observed to segregate with disease in related individuals. ClinVar contains an entry for this variant (Variation ID: 96115). Advanced modeling of protein sequence and biophysical properties (such as structural, functional, and spatial information, amino acid conservation, physicochemical variation, residue mobility, and thermodynamic stability) performed at Invitae indicates that this missense variant is expected to disrupt FKRP protein function with a positive predictive value of 95%. For these reasons, this variant has been classified as Pathogenic.

Genomic Medicine Center of Excellence, King Faisal Specialist Hospital and Research Centre
Classification: Pathogenic for Muscular dystrophy-dystroglycanopathy type B5. Last evaluated: 2024-03-17. Review status: criteria provided, single submitter. Criteria: ACMG Guidelines, 2015. Collection method: research. Allele origin: germline.

Baylor Genetics
Classification: Pathogenic for Muscular dystrophy-dystroglycanopathy (congenital with brain and eye anomalies), type A5. Last evaluated: 2023-10-31. Review status: criteria provided, single submitter. Criteria: ACMG Guidelines, 2015. Collection method: clinical testing. Allele origin: unknown.

Revvity Omics, Revvity
Classification: Pathogenic. Last evaluated: 2023-06-23. Review status: criteria provided, single submitter. Criteria: ACMG Guidelines, 2015. Collection method: clinical testing. Allele origin: germline.

GeneDx
Classification: Pathogenic. Last evaluated: 2023-03-13. Review status: criteria provided, single submitter. Criteria: GeneDx Variant Classification Process June 2021. Collection method: clinical testing. Allele origin: germline. Affected: yes.
Comment: Not observed at significant frequency in large population cohorts (gnomAD); In silico analysis supports that this missense variant has a deleterious effect on protein structure/function; This variant is associated with the following publications: (PMID: 27439679, 26467025, 27671536, 28454995, 30345904, 36317204, 31268217, 20623375)

Blueprint Genetics
Classification: Pathogenic for FKRP-related disorders. Last evaluated: 2021-09-30. Review status: criteria provided, single submitter. Criteria: ACMG Guidelines, 2015. Collection method: clinical testing. Allele origin: germline. Affected: yes. Observed: 2 variant alleles.

Baylor Genetics
Classification: Pathogenic for Autosomal recessive limb-girdle muscular dystrophy type 2I. Last evaluated: 2020-05-05. Review status: criteria provided, single submitter. Criteria: ACMG Guidelines, 2015. Collection method: clinical testing. Allele origin: unknown. Affected: yes.
Comment: This variant was determined to be pathogenic according to ACMG Guidelines, 2015 [PMID:25741868].

Institute of Human Genetics Munich, TUM University Hospital
Classification: Pathogenic for Autosomal recessive limb-girdle muscular dystrophy type 2I. Last evaluated: 2017-11-08. Review status: criteria provided, single submitter. Criteria: Classification criteria August 2017. Collection method: clinical testing. Allele origin: germline. Inheritance: Autosomal recessive inheritance. Affected: yes. Observed: 1 homozygote.

Eurofins Ntd Llc (ga)
Classification: Pathogenic. Last evaluated: 2016-04-28. Review status: criteria provided, single submitter. Criteria: EGL Classification Definitions. Collection method: clinical testing. Allele origin: germline. Observed: 3 variant alleles, 2 heterozygotes, 1 homozygote.

Athena Diagnostics
Classification: Pathogenic for Limb-girdle muscular dystrophy-dystroglycanopathy, type C5. Last evaluated: 2014-09-15. Review status: criteria provided, single submitter. Criteria: Athena Diagnostics Criteria. Collection method: clinical testing. Allele origin: germline. Inheritance: Autosomal recessive inheritance.

Juno Genomics, Hangzhou Juno Genomics, Inc
Classification: Pathogenic for Muscular dystrophy-dystroglycanopathy type B5; Muscular dystrophy-dystroglycanopathy (congenital with brain and eye anomalies), type A5; Autosomal recessive limb-girdle muscular dystrophy type 2I. Review status: criteria provided, single submitter. Criteria: ACMG Guidelines, 2015. Collection method: clinical testing. Allele origin: germline.
Comment: Absent from controls (or at extremely low frequency if recessive) in Genome Aggregation Database.;Multiple lines of computational evidence support a deleterious effect on the gene or gene product.;For recessive disorders, detected in trans with a pathogenic variant.;Patient's phenotype or family history is highly specific for a disease with a single genetic etiology.;Co-segregation with disease in multiple affected family members.

Literature cited by the submitters: PubMed 27671536 (cited by Natera, Inc. and Labcorp Genetics (formerly Invitae), Labcorp); PubMed 33200426 (cited by Natera, Inc.); PubMed 20623375 (cited by 3 submitters); PubMed 22323514 (cited by 3billion); PubMed 27439679 (cited by Labcorp Genetics (formerly Invitae), Labcorp); PubMed 28454995 (cited by Labcorp Genetics (formerly Invitae), Labcorp).